The following is an entry in ClinVar:

NM_032119.4(ADGRV1):c.10003C>T (p.Pro3335Ser)

Gene: ADGRV1 (adhesion G protein-coupled receptor V1; plus strand). Cytogenetic location: 5q14.3.
Variant type: single nucleotide variant.
Coding change: c.10003C>T on transcript NM_032119.4 (MANE Select); coding-DNA position 10003, C replaced by T.
Protein change: p.Pro3335Ser; replaces proline 3335 with serine.
Molecular consequence: missense variant. On other transcripts: non-coding transcript variant (1).
Genome position (GRCh38, 1-based): chr5:90,725,182, C>T. VCF-style: chr5-90725182-C-T. GRCh37 (hg19) VCF-style: chr5-90020999-C-T.
Other names: short protein forms P3335S.
Identifiers: ClinVar variation 1367569 (VCV001367569.4), dbSNP rs1204929035, ClinGen allele CA360403039.

ClinVar aggregate classification (germline): Uncertain significance (1 of 4 stars; one submission).

Allele frequency attached by ClinVar (database versions not stated): TOPMed below 0.00001.

Submission:

Labcorp Genetics (formerly Invitae), Labcorp
Classification: Uncertain significance. Last evaluated: 2022-12-06. Review status: criteria provided, single submitter. Criteria: Invitae Variant Classification Sherloc (09022015). Collection method: clinical testing. Allele origin: germline.
Comment: In summary, the available evidence is currently insufficient to determine the role of this variant in disease. Therefore, it has been classified as a Variant of Uncertain Significance. Algorithms developed to predict the effect of missense changes on protein structure and function output the following: SIFT: "Tolerated"; PolyPhen-2: "Benign"; Align-GVGD: "Class C0". The serine amino acid residue is found in multiple mammalian species, which suggests that this missense change does not adversely affect protein function. ClinVar contains an entry for this variant (Variation ID: 1367569). This variant has not been reported in the literature in individuals affected with ADGRV1-related conditions. This variant is not present in population databases (gnomAD no frequency). This sequence change replaces proline, which is neutral and non-polar, with serine, which is neutral and polar, at codon 3335 of the ADGRV1 protein (p.Pro3335Ser).